The following is an entry in ClinVar:

NM_001384732.1(CPLANE1):c.6463-2A>G

Gene: CPLANE1 (ciliogenesis and planar polarity effector complex subunit 1; minus strand). Cytogenetic location: 5p13.2.
Variant type: single nucleotide variant.
Coding change: c.6463-2A>G on transcript NM_001384732.1 (MANE Select); the canonical splice acceptor site of the intron before coding-DNA position 6463, A replaced by G.
Molecular consequence: splice acceptor variant.
Genome position (GRCh38, 1-based): chr5:37,169,563, T>C on the plus strand (A>G on the coding strand, the complement: CPLANE1 is on the minus strand). VCF-style: chr5-37169563-T-C. GRCh37 (hg19) VCF-style: chr5-37169665-T-C.
Other names: c.6463-2A>G (NM_023073.4).
Identifiers: ClinVar variation 1470705 (VCV001470705.8), dbSNP rs2150943002, ClinGen allele CA359481055.
Genomic context (GRCh38, chr5:37,169,563, plus strand): 5'-CCTTTTTTCCGGGGCTGGCCATTTAATTGACATAAAGGAATACTCCCATGTGGAACATTC[T>C]GGAAGAGAAAAAAGATATTATGTAAGTTTAGAATATATTAGAAATTCCTTCCTTTGTAAA-3'

ClinVar aggregate classification (germline): Likely pathogenic (1 of 4 stars; one submission).

gnomAD v4.1: 2 of 1,575,102 alleles (0.00013%); highest among the groups gnomAD compares: Non-Finnish European, 0.00017%; no homozygotes.

Submission:

Labcorp Genetics (formerly Invitae), Labcorp
Classification: Likely pathogenic. Last evaluated: 2021-02-15. Review status: criteria provided, single submitter. Criteria: Invitae Variant Classification Sherloc (09022015). Collection method: clinical testing. Allele origin: germline.
Comment: This sequence change affects an acceptor splice site in intron 33 of the CPLANE1 gene. It is expected to disrupt RNA splicing. Variants that disrupt the donor or acceptor splice site typically lead to a loss of protein function (PMID: 16199547), and loss-of-function variants in CPLANE1 are known to be pathogenic (PMID: 24178751, 26092869). This variant is not present in population databases (ExAC no frequency). This variant has not been reported in the literature in individuals with CPLANE1-related conditions. Algorithms developed to predict the effect of sequence changes on RNA splicing suggest that this variant may disrupt the consensus splice site, but this prediction has not been confirmed by published transcriptional studies. In summary, the currently available evidence indicates that the variant is pathogenic, but additional data are needed to prove that conclusively. Therefore, this variant has been classified as Likely Pathogenic.

Literature cited by the submitters: PubMed 16199547; PubMed 24178751; PubMed 26092869.